The following is an entry in ClinVar:

NM_017999.5(RNF31):c.2488C>T (p.Arg830Cys)

Gene: RNF31 (ring finger protein 31; plus strand). Cytogenetic location: 14q12.
Variant type: single nucleotide variant.
Coding change: c.2488C>T on transcript NM_017999.5 (MANE Select); coding-DNA position 2488, C replaced by T.
Protein change: p.Arg830Cys; replaces arginine 830 with cysteine.
Molecular consequence: missense variant.
Genome position (GRCh38, 1-based): chr14:24,155,687, C>T. VCF-style: chr14-24155687-C-T. GRCh37 (hg19) VCF-style: chr14-24624896-C-T.
Other names: c.2035C>T, p.Arg679Cys (NM_001310332.2); short protein forms R830C, R679C.
Identifiers: ClinVar variation 1441539 (VCV001441539.8), dbSNP rs1277863938, ClinGen allele CA389303612.

ClinVar aggregate classification (germline): Uncertain significance (1 of 4 stars; one submission).

Allele frequency attached by ClinVar (database versions not stated): gnomAD exomes below 0.00001; TOPMed below 0.00001.
gnomAD v4.1: 8 of 1,613,716 alleles (0.0005%); highest among the groups gnomAD compares: South Asian, 0.0022%; no homozygotes.

Submission:

Labcorp Genetics (formerly Invitae), Labcorp
Classification: Uncertain significance. Last evaluated: 2026-01-24. Review status: criteria provided, single submitter. Criteria: Invitae Variant Classification Sherloc (09022015). Collection method: clinical testing. Allele origin: germline.
Comment: This sequence change replaces arginine, which is basic and polar, with cysteine, which is neutral and slightly polar, at codon 830 of the RNF31 protein (p.Arg830Cys). This variant is not present in population databases (gnomAD no frequency). This variant has not been reported in the literature in individuals affected with RNF31-related conditions. ClinVar contains an entry for this variant (Variation ID: 1441539). An algorithm developed to predict the effect of missense changes on protein structure and function (PolyPhen-2) suggests that this variant is likely to be disruptive. In summary, the available evidence is currently insufficient to determine the role of this variant in disease. Therefore, it has been classified as a Variant of Uncertain Significance.